The following is an entry in ClinVar:

NM_014009.4(FOXP3):c.395C>T (p.Thr132Ile)

Gene: FOXP3 (forkhead box P3; minus strand). Cytogenetic location: Xp11.23.
Variant type: single nucleotide variant.
Coding change: c.395C>T on transcript NM_014009.4 (MANE Select); coding-DNA position 395, C replaced by T.
Protein change: p.Thr132Ile; replaces threonine 132 with isoleucine.
Molecular consequence: missense variant.
Genome position (GRCh38, 1-based): chrX:49,257,486, G>A on the plus strand (C>T on the coding strand, the complement: FOXP3 is on the minus strand). VCF-style: chrX-49257486-G-A. GRCh37 (hg19) VCF-style: chrX-49113943-G-A.
Other names: c.290C>T, p.Thr97Ile (NM_001114377.2); short protein forms T132I, T97I.
Identifiers: ClinVar variation 4743353 (VCV004743353.1).

ClinVar aggregate classification (germline): Uncertain significance (1 of 4 stars; one submission).

Conditions:
Insulin-dependent diabetes mellitus secretory diarrhea syndrome (IPEX). Also called: Immunodysregulation, polyendocrinopathy, and enteropathy, X-linked; Immunodeficiency, Polyendocrinopathy, and Enteropathy X-Linked Syndrome; X-Linked Syndrome of Polyendocrinopathy, Immune Dysfunction, and Diarrhea; DIABETES MELLITUS, CONGENITAL INSULIN-DEPENDENT, WITH FATAL SECRETORY DIARRHEA; DIARRHEA, POLYENDOCRINOPATHY, FATAL INFECTION SYNDROME, X-LINKED; ENTEROPATHY, AUTOIMMUNE, WITH HEMOLYTIC ANEMIA AND POLYENDOCRINOPATHY. Identifiers: Orphanet 37042, MedGen C0342288, MONDO:0010580, OMIM 304790. Disease mechanism: loss of function.

Submission:

Labcorp Genetics (formerly Invitae), Labcorp
Classification: Uncertain significance for Insulin-dependent diabetes mellitus secretory diarrhea syndrome. Last evaluated: 2025-10-01. Review status: criteria provided, single submitter. Criteria: Invitae Variant Classification Sherloc (09022015). Collection method: clinical testing. Allele origin: germline.
Comment: This sequence change replaces threonine, which is neutral and polar, with isoleucine, which is neutral and non-polar, at codon 132 of the FOXP3 protein (p.Thr132Ile). This variant is present in population databases (no rsID available, gnomAD 0.002%). This variant has not been reported in the literature in individuals affected with FOXP3-related conditions. Invitae Evidence Modeling of protein sequence and biophysical properties (such as structural, functional, and spatial information, amino acid conservation, physicochemical variation, residue mobility, and thermodynamic stability) indicates that this missense variant is not expected to disrupt FOXP3 protein function with a negative predictive value of 80%. In summary, the available evidence is currently insufficient to determine the role of this variant in disease. Therefore, it has been classified as a Variant of Uncertain Significance.